The following is an entry in ClinVar:

NM_001130009.3(GEN1):c.1858G>T (p.Ala620Ser)

Gene: GEN1 (GEN1 structure-specific endonuclease; plus strand). Cytogenetic location: 2p24.2.
Variant type: single nucleotide variant.
Coding change: c.1858G>T on transcript NM_001130009.3 (MANE Select); coding-DNA position 1858, G replaced by T.
Protein change: p.Ala620Ser; replaces alanine 620 with serine.
Molecular consequence: missense variant.
Genome position (GRCh38, 1-based): chr2:17,781,070, G>T. VCF-style: chr2-17781070-G-T. GRCh37 (hg19) VCF-style: chr2-17962337-G-T.
Other names: c.1858G>T, p.Ala620Ser (NM_182625.5); short protein forms A620S.
Identifiers: ClinVar variation 4842196 (VCV004842196.1).

ClinVar aggregate classification (germline): Uncertain significance (1 of 4 stars; one submission).

Submission:

Ambry Genetics
Classification: Uncertain significance. Last evaluated: 2025-12-22. Review status: criteria provided, single submitter. Criteria: Ambry Variant Classification Scheme 2023. Collection method: clinical testing. Allele origin: germline.
Comment: The p.A620S variant (also known as c.1858G>T), located in coding exon 13 of the GEN1 gene, results from a G to T substitution at nucleotide position 1858. The alanine at codon 620 is replaced by serine, an amino acid with similar properties. This amino acid position is conserved. In addition, this alteration is predicted to be tolerated by in silico analysis. Based on the available evidence, the clinical significance of this variant remains unclear.